The following is an entry in ClinVar:

NM_016239.4(MYO15A):c.9778_9784del (p.Thr3260fs)

Gene: MYO15A (myosin XVA; plus strand). Cytogenetic location: 17p11.2.
Variant type: Deletion.
Coding change: c.9778_9784del on transcript NM_016239.4 (MANE Select); coding-DNA positions 9778 to 9784, 7 bases deleted (ACCAACC; older notation c.9778_9784delACCAACC).
Protein change: p.Thr3260fs; shifts the reading frame from threonine 3260.
Molecular consequence: frameshift variant.
Genome position (GRCh38, 1-based): chr17:18,163,829-18,163,835, ACCAACC deleted; deleting any 7 consecutive bases within chr17:18,163,828-18,163,835 gives the same sequence; the c. name uses the placement nearest the transcript's 3' end. VCF-style (leftmost placement, unchanged base first): chr17-18163827-TCACCAAC-T. GRCh37 (hg19) VCF-style: chr17-18067141-TCACCAAC-T.
Other names: short protein forms T3260fs.
Identifiers: ClinVar variation 2758835 (VCV002758835.3), dbSNP rs2545320471, ClinGen allele CA2697559490.

ClinVar aggregate classification (germline): Pathogenic (1 of 4 stars; one submission).

Submission:

Labcorp Genetics (formerly Invitae), Labcorp
Classification: Pathogenic. Last evaluated: 2023-09-08. Review status: criteria provided, single submitter. Criteria: Invitae Variant Classification Sherloc (09022015). Collection method: clinical testing. Allele origin: germline.
Comment: For these reasons, this variant has been classified as Pathogenic. This variant has not been reported in the literature in individuals affected with MYO15A-related conditions. This variant is not present in population databases (gnomAD no frequency). This sequence change creates a premature translational stop signal (p.Thr3260Valfs*49) in the MYO15A gene. It is expected to result in an absent or disrupted protein product. Loss-of-function variants in MYO15A are known to be pathogenic (PMID: 17546645).

Literature cited by the submitters: PubMed 17546645.